The following is an entry in ClinVar:

ClinVar aggregate classification (germline): Uncertain significance. Review status: criteria provided, multiple submitters, no conflicts (2 of 4 stars). 2 submissions from 2 submitters: Uncertain significance (2). Last evaluated 2022-11-17.

Conditions:
Combined immunodeficiency due to DOCK8 deficiency (HIES2). Also called: HIES autosomal recessive; HYPER-IgE SYNDROME 2, AUTOSOMAL RECESSIVE, WITH RECURRENT INFECTIONS; HYPER-IgE RECURRENT INFECTION SYNDROME 2, AUTOSOMAL RECESSIVE; DOCK8 Deficiency; Hyper-IgE recurrent infection syndrome, autosomal recessive. Identifiers: Orphanet 217390, MedGen C4722305, MONDO:0009478, OMIM 243700.

Allele frequency attached by ClinVar (database versions not stated): gnomAD exomes 0.00001 and 0.00002; TOPMed 0.00001; ExAC 0.00002; gnomAD 0.00002.
gnomAD v4.1: 21 of 1,613,952 alleles (0.0013%); highest among the groups gnomAD compares: Admixed American, 0.0033%; no homozygotes.

Submissions (2):

Blueprint Genetics
Classification: Uncertain significance. Last evaluated: 2022-11-17. Review status: criteria provided, single submitter. Criteria: ACMG Guidelines, 2015. Collection method: clinical testing. Allele origin: germline.

Labcorp Genetics (formerly Invitae), Labcorp
Classification: Uncertain significance for Combined immunodeficiency due to DOCK8 deficiency. Last evaluated: 2022-03-23. Review status: criteria provided, single submitter. Criteria: Invitae Variant Classification Sherloc (09022015). Collection method: clinical testing. Allele origin: germline.
Comment: This sequence change replaces tyrosine, which is neutral and polar, with cysteine, which is neutral and slightly polar, at codon 883 of the DOCK8 protein (p.Tyr883Cys). This variant is present in population databases (rs780783415, gnomAD 0.003%). This variant has not been reported in the literature in individuals affected with DOCK8-related conditions. ClinVar contains an entry for this variant (Variation ID: 946877). Algorithms developed to predict the effect of missense changes on protein structure and function are either unavailable or do not agree on the potential impact of this missense change (SIFT: "Deleterious"; PolyPhen-2: "Benign"; Align-GVGD: "Class C0"). In summary, the available evidence is currently insufficient to determine the role of this variant in disease. Therefore, it has been classified as a Variant of Uncertain Significance.

NM_203447.4(DOCK8):c.2648A>G (p.Tyr883Cys)

Gene: DOCK8 (dedicator of cytokinesis 8; plus strand). Cytogenetic location: 9p24.3.
Variant type: single nucleotide variant.
Coding change: c.2648A>G on transcript NM_203447.4 (MANE Select); coding-DNA position 2648, A replaced by G.
Protein change: p.Tyr883Cys; replaces tyrosine 883 with cysteine.
Molecular consequence: missense variant.
Genome position (GRCh38, 1-based): chr9:382,555, A>G. VCF-style: chr9-382555-A-G. GRCh37 (hg19) VCF-style: chr9-382555-A-G.
Other names: c.2444A>G, p.Tyr815Cys (NM_001190458.2, NM_001193536.2); short protein forms Y883C, Y815C.
Identifiers: ClinVar variation 946877 (VCV000946877.5), dbSNP rs780783415, ClinGen allele CA4958277.